The following is an entry in ClinVar:

ClinVar aggregate classification (germline): Uncertain significance. Review status: criteria provided, multiple submitters, no conflicts (2 of 4 stars). 2 submissions from 2 submitters: Uncertain significance (2). Last evaluated 2026-04-13.

Conditions:
Familial adenomatous polyposis 1 (FAP1). Also called: FAMILIAL ADENOMATOUS POLYPOSIS 1, ATTENUATED; POLYPOSIS, ADENOMATOUS INTESTINAL. Identifiers: MedGen C2713442, MONDO:0021056, OMIM 175100. Disease mechanism: loss of function.
APC-related disorder. Also called: APC-related condition.

Submissions (2):

PreventionGenetics, part of Exact Sciences
Classification: Uncertain significance for APC-related condition. Last evaluated: 2026-04-13. Review status: criteria provided, single submitter. Criteria: ACMG Guidelines, 2015. Collection method: clinical testing. Allele origin: germline.
Comment: The APC c.2641_2643delTCC variant is predicted to result in an in-frame deletion (p.Ser881del). To our knowledge, this variant has not been reported in the literature or in a large population database (gnomAD), indicating this variant is rare. This variant has not been reported in ClinVar. At this time, the clinical significance of this variant is uncertain due to the absence of conclusive functional and genetic evidence.

Labcorp Genetics (formerly Invitae), Labcorp
Classification: Uncertain significance for Familial adenomatous polyposis 1. Last evaluated: 2025-03-04. Review status: criteria provided, single submitter. Criteria: Invitae Variant Classification Sherloc (09022015). Collection method: clinical testing. Allele origin: germline.
Comment: This variant, c.2641_2643del, results in the deletion of 1 amino acid(s) of the APC protein (p.Ser881del), but otherwise preserves the integrity of the reading frame. This variant is not present in population databases (gnomAD no frequency). This variant has not been reported in the literature in individuals affected with APC-related conditions. Experimental studies and prediction algorithms are not available or were not evaluated, and the functional significance of this variant is currently unknown. In summary, the available evidence is currently insufficient to determine the role of this variant in disease. Therefore, it has been classified as a Variant of Uncertain Significance.

NM_000038.6(APC):c.2641_2643del (p.Ser881del)

Gene: APC (APC regulator of Wnt signaling pathway; plus strand). Cytogenetic location: 5q22.2.
Variant type: Deletion.
Coding change: c.2641_2643del on transcript NM_000038.6 (MANE Select); coding-DNA positions 2641 to 2643, 3 bases deleted (TCC; older notation c.2641_2643delTCC).
Protein change: p.Ser881del; deletes serine 881.
Molecular consequence: inframe deletion. On other transcripts: non-coding transcript variant (2).
Genome position (GRCh38, 1-based): chr5:112,838,235-112,838,237, TCC deleted; deleting any 3 consecutive bases within chr5:112,838,234-112,838,237 gives the same sequence; the c. name uses the placement nearest the transcript's 3' end. VCF-style (leftmost placement, unchanged base first): chr5-112838233-TCTC-T. GRCh37 (hg19) VCF-style: chr5-112173930-TCTC-T.
Other names: c.2641_2643delTCC (NM_000038.5); c.2641_2643del, p.Ser881del (NM_001127510.3, NM_001354895.2, NM_001407450.1); c.2587_2589del, p.Ser863del (NM_001127511.3); c.2695_2697del, p.Ser899del (NM_001354896.2, NM_001407447.1, NM_001407448.1 and 1 more transcripts); c.2671_2673del, p.Ser891del (NM_001354897.2); c.2566_2568del, p.Ser856del (NM_001354898.2); c.2557_2559del, p.Ser853del (NM_001354899.2); c.2518_2520del, p.Ser840del (NM_001354900.2); and 12 more; short protein forms S598del, S798del, S853del, S856del, S881del, S891del, S497del, S822del.
Identifiers: ClinVar variation 4709338 (VCV004709338.2).